The following is an entry in ClinVar:

ClinVar aggregate classification (germline): Uncertain significance (1 of 4 stars; one submission).

Submission:

Labcorp Genetics (formerly Invitae), Labcorp
Classification: Uncertain significance. Last evaluated: 2024-02-23. Review status: criteria provided, single submitter. Criteria: Invitae Variant Classification Sherloc (09022015). Collection method: clinical testing. Allele origin: germline.
Comment: This sequence change replaces asparagine, which is neutral and polar, with tyrosine, which is neutral and polar, at codon 742 of the FBN3 protein (p.Asn742Tyr). This variant is not present in population databases (gnomAD no frequency). This variant has not been reported in the literature in individuals affected with FBN3-related conditions. Advanced modeling of protein sequence and biophysical properties (such as structural, functional, and spatial information, amino acid conservation, physicochemical variation, residue mobility, and thermodynamic stability) performed at Invitae indicates that this missense variant is expected to disrupt FBN3 protein function with a positive predictive value of 80%. In summary, the available evidence is currently insufficient to determine the role of this variant in disease. Therefore, it has been classified as a Variant of Uncertain Significance.

NM_032447.5(FBN3):c.2224A>T (p.Asn742Tyr)

Gene: FBN3 (fibrillin 3; minus strand). Cytogenetic location: 19p13.2.
Variant type: single nucleotide variant.
Coding change: c.2224A>T on transcript NM_032447.5 (MANE Select); coding-DNA position 2224, A replaced by T.
Protein change: p.Asn742Tyr; replaces asparagine 742 with tyrosine.
Molecular consequence: missense variant.
Genome position (GRCh38, 1-based): chr19:8,129,100, T>A on the plus strand (A>T on the coding strand, the complement: FBN3 is on the minus strand). VCF-style: chr19-8129100-T-A. GRCh37 (hg19) VCF-style: chr19-8193984-T-A.
Other names: c.2224A>T, p.Asn742Tyr (NM_001321431.2); short protein forms N742Y.
Identifiers: ClinVar variation 3695752 (VCV003695752.2).
Genomic context (GRCh38, chr19:8,129,100, plus strand): 5'-CCGTGTCCTGCCAGAAGTGGAAGCCGGGGGGGCAGGAGCAGCTGTAGCTGCCAGGGCTAT[T>A]CTGGCACCACCCGTTGTCACACAGGAGGCTGTTGAGGGCACACTCATCCACGTCTGTGGG-3'
Protein context (NP_115823.3, residues 732-752): SLLCDNGWCQ[Asn742Tyr]SPGSYSCSCP